The following is an entry in ClinVar:

ClinVar aggregate classification (germline): Benign. Review status: criteria provided, multiple submitters, no conflicts (2 of 4 stars). 2 submissions from 2 submitters: Benign (2). Last evaluated 2018-11-12.

Allele frequency attached by ClinVar (database versions not stated): gnomAD exomes 0.22391 and 0.23512; ExAC 0.25726; TOPMed 0.30918; 1000 Genomes Project 0.31090; 1000 Genomes Project 30x 0.31418.

Submissions (2):

GeneDx
Classification: Benign. Last evaluated: 2018-11-12. Review status: criteria provided, single submitter. Criteria: GeneDx Variant Classification Process June 2021. Collection method: clinical testing. Allele origin: germline. Affected: yes.
Comment: This variant is associated with the following publications: (PMID: 25179167)

Breakthrough Genomics
Classification: Benign. Review status: criteria provided, single submitter. Criteria: ACMG Guidelines, 2015. Collection method: not provided. Allele origin: germline. Inheritance: Autosomal dominant inheritance. Affected: yes.

NM_002250.3(KCNN4):c.1049+78A>G

Gene: KCNN4 (potassium calcium-activated channel subfamily N member 4; minus strand). Cytogenetic location: 19q13.31.
Variant type: single nucleotide variant.
Coding change: c.1049+78A>G on transcript NM_002250.3 (MANE Select); 78 bases into the intron after coding-DNA position 1049, A replaced by G.
Molecular consequence: intron variant.
Genome position (GRCh38, 1-based): chr19:43,769,364, T>C on the plus strand (A>G on the coding strand, the complement: KCNN4 is on the minus strand). VCF-style: chr19-43769364-T-C. GRCh37 (hg19) VCF-style: chr19-44273516-T-C.
Identifiers: ClinVar variation 1260319 (VCV001260319.3), dbSNP rs347519, ClinGen allele CA9491807.